The following is an entry in ClinVar:

NM_005732.4(RAD50):c.3753-5T>A

Genes: RAD50 (RAD50 double strand break repair protein; plus strand), TH2-LCR (Th2 cytokine locus control region; plus strand), TH2LCRR (T helper type 2 locus control region associated RNA; minus strand). Cytogenetic location: 5q31.1.
Variant type: single nucleotide variant.
Coding change: c.3753-5T>A on transcript NM_005732.4 (MANE Select); 5 bases into the intron before coding-DNA position 3753, T replaced by A.
Molecular consequence: intron variant.
Genome position (GRCh38, 1-based): chr5:132,642,173, T>A. VCF-style: chr5-132642173-T-A. GRCh37 (hg19) VCF-style: chr5-131977865-T-A.
Identifiers: ClinVar variation 824163 (VCV000824163.13), dbSNP rs1581024884, ClinGen allele CA915942560.

ClinVar aggregate classification (germline): Conflicting classifications of pathogenicity. Review status: criteria provided, conflicting classifications (1 of 4 stars). 2 submissions from 2 submitters: Likely pathogenic (1); Uncertain significance (1). Last evaluated 2026-02-11.

Conditions:
Hereditary cancer-predisposing syndrome. Also called: Hereditary Cancer Syndrome; Tumor predisposition; Neoplastic Syndromes, Hereditary; Hereditary neoplastic syndrome. Identifiers: Orphanet 140162, MedGen C0027672, MeSH D009386, MONDO:0015356.

Allele frequency attached by ClinVar (database versions not stated): gnomAD exomes below 0.00001.
gnomAD v4.1: 1 of 1,612,728 alleles (0.000062%); highest among the groups gnomAD compares: African/African-American, 0.0013%; no homozygotes.

Submissions (2):

Ambry Genetics
Classification: Uncertain significance for Hereditary cancer-predisposing syndrome. Last evaluated: 2026-02-11. Review status: criteria provided, single submitter. Criteria: Ambry Variant Classification Scheme 2023. Collection method: clinical testing. Allele origin: germline.
Comment: The c.3753-5T>A intronic variant results from a T to A substitution 5 nucleotides upstream from coding exon 25 in the RAD50 gene. This nucleotide position is well conserved in available vertebrate species. In silico splice site analysis predicts that this alteration will weaken the native splice acceptor site and may result in the creation or strengthening of a novel splice acceptor site. Based on the available evidence, the clinical significance of this variant remains unclear.

Labcorp Genetics (formerly Invitae), Labcorp
Classification: Likely pathogenic for Hereditary cancer-predisposing syndrome. Last evaluated: 2024-05-21. Review status: criteria provided, single submitter. Criteria: Invitae Variant Classification Sherloc (09022015). Collection method: clinical testing. Allele origin: germline.
Comment: This sequence change falls in intron 24 of the RAD50 gene. It does not directly change the encoded amino acid sequence of the RAD50 protein. RNA analysis indicates that this variant induces altered splicing and likely disrupts the C-terminus of the protein. This variant is not present in population databases (gnomAD no frequency). This variant has not been reported in the literature in individuals affected with RAD50-related conditions. ClinVar contains an entry for this variant (Variation ID: 824163). Studies have shown that this variant results in skipping of exon 25 and introduces a new termination codon (Invitae). However the mRNA is not expected to undergo nonsense-mediated decay. This variant disrupts the ATPase-C domain, which is important for RAD50 ATPase activity (PMID: 10892749, 24894818). While functional studies have not been performed to directly test the effect of this variant on RAD50 protein function, this suggests that disruption of this region of the protein is causative of disease. In summary, the currently available evidence indicates that the variant is pathogenic, but additional data are needed to prove that conclusively. Therefore, this variant has been classified as Likely Pathogenic.

Literature cited by the submitters: PubMed 10892749 (cited by Labcorp Genetics (formerly Invitae), Labcorp); PubMed 24894818 (cited by Labcorp Genetics (formerly Invitae), Labcorp).